The following is an entry in ClinVar:

ClinVar aggregate classification (germline): Uncertain significance. Review status: criteria provided, multiple submitters, no conflicts (2 of 4 stars). 3 submissions from 3 submitters: Uncertain significance (3). Last evaluated 2025-07-01.

Conditions:
Coxopodopatellar syndrome. Also called: Congenital coxa vara, patella aplasia and tarsal synostosis; SCOTT-TAOR SYNDROME; Small patella syndrome; ISCHIOCOXOPODOPATELLAR SYNDROME; PATELLA APLASIA, COXA VARA, AND TARSAL SYNOSTOSIS; ISCHIOCOXOPODOPATELLAR SYNDROME WITH OR WITHOUT PULMONARY ARTERIAL HYPERTENSION. Identifiers: Orphanet 1509, MedGen C1840061, MONDO:0007841, OMIM 147891.

gnomAD v4.1: 3 of 1,614,088 alleles (0.00019%); highest among the groups gnomAD compares: Admixed American, 0.0017%; no homozygotes.

Submissions (3):

CeGaT Center for Human Genetics Tuebingen
Classification: Uncertain significance. Last evaluated: 2025-07-01. Review status: criteria provided, single submitter. Criteria: CeGaT Center For Human Genetics Tuebingen Variant Classification Criteria Version 2. Collection method: clinical testing. Allele origin: germline. Affected: yes. Observed: 1 variant allele.
Comment: TBX4: PM2, PP3

Labcorp Genetics (formerly Invitae), Labcorp
Classification: Uncertain significance. Last evaluated: 2023-07-29. Review status: criteria provided, single submitter. Criteria: Invitae Variant Classification Sherloc (09022015). Collection method: clinical testing. Allele origin: germline.
Comment: ClinVar contains an entry for this variant (Variation ID: 324253). This variant has not been reported in the literature in individuals affected with TBX4-related conditions. This variant is present in population databases (rs370445458, gnomAD 0.006%). This sequence change replaces aspartic acid, which is acidic and polar, with glutamic acid, which is acidic and polar, at codon 253 of the TBX4 protein (p.Asp253Glu). Advanced modeling of protein sequence and biophysical properties (such as structural, functional, and spatial information, amino acid conservation, physicochemical variation, residue mobility, and thermodynamic stability) performed at Invitae indicates that this missense variant is not expected to disrupt TBX4 protein function. In summary, the available evidence is currently insufficient to determine the role of this variant in disease. Therefore, it has been classified as a Variant of Uncertain Significance.

Illumina Laboratory Services, Illumina
Classification: Uncertain significance for Coxopodopatellar syndrome. Last evaluated: 2018-01-13. Review status: criteria provided, single submitter. Criteria: ICSL Variant Classification Criteria 13 December 2019. Collection method: clinical testing. Allele origin: germline.

NM_001321120.2(TBX4):c.759T>A (p.Asp253Glu)

Gene: TBX4 (T-box transcription factor 4; plus strand). Cytogenetic location: 17q23.2.
Variant type: single nucleotide variant.
Coding change: c.759T>A on transcript NM_001321120.2 (MANE Select); coding-DNA position 759, T replaced by A.
Protein change: p.Asp253Glu; replaces aspartic acid 253 with glutamic acid.
Molecular consequence: missense variant.
Genome position (GRCh38, 1-based): chr17:61,479,937, T>A. VCF-style: chr17-61479937-T-A. GRCh37 (hg19) VCF-style: chr17-59557298-T-A.
Other names: c.759T>A, p.Asp253Glu (LRG_1206t1, NM_018488.3); short protein forms D253E.
Identifiers: ClinVar variation 324253 (VCV000324253.16), dbSNP rs370445458, ClinGen allele CA8689902.